The following is an entry in ClinVar:

NM_032444.4(SLX4):c.2274G>A (p.Ala758=)

Gene: SLX4 (SLX4 structure-specific endonuclease subunit; minus strand). Cytogenetic location: 16p13.3.
Variant type: single nucleotide variant.
Coding change: c.2274G>A on transcript NM_032444.4 (MANE Select); coding-DNA position 2274, G replaced by A.
Protein change: p.Ala758=; no amino-acid change (alanine 758 retained).
Molecular consequence: synonymous variant.
Genome position (GRCh38, 1-based): chr16:3,592,752, C>T on the plus strand (G>A on the coding strand, the complement: SLX4 is on the minus strand). VCF-style: chr16-3592752-C-T. GRCh37 (hg19) VCF-style: chr16-3642753-C-T.
Other names: c.2274G>A (NM_032444.3).
Identifiers: ClinVar variation 850365 (VCV000850365.12), dbSNP rs780854919, ClinGen allele CA7866210.
Genomic context (GRCh38, chr16:3,592,752, plus strand): 5'-TCCAGACCTGTGGGCCAGGGAGCTCAGCTCAGAGCTAAGGCCAGGAGGAAGGCCAGTGTC[C>T]GCAGTGTAGAGATAGTGCAGGAACGTGCGGGCGGCCTCGGTGCTCACGTCACCCAGCAGG-3'
Protein context (NP_115820.2, residues 748-768): ARTFLHYLYT[Ala758=]DTGLPPGLSS

ClinVar aggregate classification (germline): Likely benign. Review status: criteria provided, single submitter (1 of 4 stars). 2 submissions from 2 submitters: Likely benign (1). 1 of the submissions does not count toward it. Last evaluated 2025-04-19.

Conditions:
SLX4-related disorder. Also called: SLX4-related condition.
Fanconi anemia (FA). Also called: Fanconi's anemia. Identifiers: Orphanet 84, MedGen C0015625, MeSH D005199, MONDO:0019391.

Allele frequency attached by ClinVar (database versions not stated): ExAC 0.00001; gnomAD exomes 0.00001 and 0.00002; TOPMed 0.00001.

Submissions (2):

Labcorp Genetics (formerly Invitae), Labcorp
Classification: Likely benign for Fanconi anemia. Last evaluated: 2025-04-19. Review status: criteria provided, single submitter. Criteria: Invitae Variant Classification Sherloc (09022015). Collection method: clinical testing. Allele origin: germline.

PreventionGenetics, part of Exact Sciences
Classification: Likely benign for SLX4-related condition. Last evaluated: 2024-01-09. Review status: no assertion criteria provided. Collection method: clinical testing. Allele origin: germline. Not counted in ClinVar's aggregate classification.
Comment: This variant is classified as likely benign based on ACMG/AMP sequence variant interpretation guidelines (Richards et al. 2015 PMID: 25741868, with internal and published modifications).